The following is an entry in ClinVar:

NM_007294.4(BRCA1):c.5071dup (p.Thr1691fs)

Gene: BRCA1 (BRCA1 DNA repair associated; minus strand). Cytogenetic location: 17q21.31.
Variant type: Duplication.
Coding change: c.5071dup on transcript NM_007294.4 (MANE Select); coding-DNA position 5071, one base duplicated (A; older notation c.5071dupA).
Protein change: p.Thr1691fs; shifts the reading frame from threonine 1691.
Molecular consequence: frameshift variant. On other transcripts: non-coding transcript variant (1).
Genome position (GRCh38, 1-based): chr17:43,067,611, T duplicated on the plus strand (A on the coding strand, the reverse complement: BRCA1 is on the minus strand); the first of 4 consecutive T bases (chr17:43,067,611-43,067,614); duplicating any one gives the same sequence. VCF-style (leftmost placement, unchanged base first): chr17-43067610-G-GT. GRCh37 (hg19) VCF-style: chr17-41219627-G-GT.
Other names: 5190insA; c.5071dupA (NM_007294.3); c.4855dup, p.Thr1620Asnfs (NM_001407571.1, NM_001407894.1, NM_001407895.1 and 12 more transcripts); c.5134dup, p.Thr1713Asnfs (NM_001407581.1, NM_001407582.1); c.5131dup, p.Thr1712Asnfs (NM_001407583.1, NM_001407585.1, NM_001407587.1); c.5128dup, p.Thr1711Asnfs (NM_001407590.1, NM_001407591.1); c.5068dup, p.Thr1691Asnfs (NM_001407593.1, NM_001407594.1, NM_001407596.1 and 8 more transcripts); c.5065dup, p.Thr1690Asnfs (NM_001407610.1, NM_001407611.1, NM_001407612.1 and 17 more transcripts); and 75 more; short protein forms T1691fs, T1712fs, T587fs, T1644fs.
Identifiers: ClinVar variation 55372 (VCV000055372.14), dbSNP rs80357672, ClinGen allele CA003186.

ClinVar aggregate classification (germline): Pathogenic. Review status: reviewed by expert panel (3 of 4 stars). 6 submissions from 6 submitters: Pathogenic (1). 5 of the submissions do not count toward it. Last evaluated 2016-09-08.

Conditions:
Hereditary breast ovarian cancer syndrome. Also called: BRCA1- and BRCA2-Associated Hereditary Breast and Ovarian Cancer; Hereditary breast and ovarian cancer syndrome; Hereditary breast and ovarian cancer syndrome (HBOC); Breast and ovarian cancer; Hereditary breast and/or ovarian cancer syndrome; Hereditary breast and ovarian cancer. Identifiers: Orphanet 145, MedGen C0677776, MeSH D061325, MONDO:0003582. Disease mechanism: loss of function.
Breast-ovarian cancer, familial, susceptibility to, 1 (BROVCA1). Also called: BRCA1 Hereditary Breast and Ovarian Cancer; OVARIAN CANCER, SUSCEPTIBILITY TO. Identifiers: Orphanet 145, MedGen C2676676, MONDO:0011450, OMIM 604370. Disease mechanism: loss of function.

Submissions (6):

Evidence-based Network for the Interpretation of Germline Mutant Alleles (ENIGMA)
Classification: Pathogenic for Breast-ovarian cancer, familial, susceptibility to, 1. Last evaluated: 2016-09-08. Review status: reviewed by expert panel. Criteria: ENIGMA BRCA1/2 Classification Criteria (2015). Collection method: curation. Allele origin: germline.
Comment: Variant allele predicted to encode a truncated non-functional protein.

Labcorp Genetics (formerly Invitae), Labcorp
Classification: Pathogenic for Hereditary breast ovarian cancer syndrome. Last evaluated: 2022-11-29. Review status: criteria provided, single submitter. Criteria: Invitae Variant Classification Sherloc (09022015). Collection method: clinical testing. Allele origin: germline. Not counted in ClinVar's aggregate classification.
Comment: For these reasons, this variant has been classified as Pathogenic. ClinVar contains an entry for this variant (Variation ID: 55372). This premature translational stop signal has been observed in individual(s) with clinical features of hereditary breast and ovarian cancer syndrome (PMID: 21120943). This variant is not present in population databases (gnomAD no frequency). This sequence change creates a premature translational stop signal (p.Thr1691Asnfs*4) in the BRCA1 gene. It is expected to result in an absent or disrupted protein product. Loss-of-function variants in BRCA1 are known to be pathogenic (PMID: 20104584).

Women's Health and Genetics/Laboratory Corporation of America, LabCorp
Classification: Pathogenic for Hereditary breast ovarian cancer syndrome. Last evaluated: 2022-09-19. Review status: criteria provided, single submitter. Criteria: LabCorp Variant Classification Summary - May 2015. Collection method: clinical testing. Allele origin: germline. Not counted in ClinVar's aggregate classification.
Comment: Variant summary: BRCA1 c.5071dupA (p.Thr1691AsnfsX4) results in a premature termination codon, predicted to cause a truncation of the encoded protein or absence of the protein due to nonsense mediated decay, which are commonly known mechanisms for disease. Truncations downstream of this position have been classified as pathogenic by our laboratory. The variant was absent in 251348 control chromosomes (gnomAD). c.5071dupA has been reported in the literature in individuals affected with Hereditary Breast And Ovarian Cancer Syndrome (Caux-Moncoutier_2011, Rebbeck_2018). These data indicate that the variant is likely to be associated with disease. To our knowledge, no experimental evidence demonstrating an impact on protein function has been reported. Three ClinVar submitters (evaluation after 2014), including one expert panel (ENIGMA), cite the variant as pathogenic. Based on the evidence outlined above, the variant was classified as pathogenic.

Consortium of Investigators of Modifiers of BRCA1/2 (CIMBA), c/o University of Cambridge
Classification: Pathogenic for Breast-ovarian cancer, familial, susceptibility to, 1. Last evaluated: 2015-10-02. Review status: criteria provided, single submitter. Criteria: CIMBA Mutation Classification guidelines May 2016. Collection method: clinical testing. Allele origin: germline. Not counted in ClinVar's aggregate classification.

Genesis Genomics
Classification: Pathogenic for Breast-ovarian cancer, familial, susceptibility to, 1. Review status: criteria provided, single submitter. Criteria: ACMG Guidelines, 2015. Collection method: clinical testing. Allele origin: germline. Affected: no. Observed: 1 variant allele. Not counted in ClinVar's aggregate classification.

Breast Cancer Information Core (BIC) (BRCA1)
Classification: Pathogenic for Breast-ovarian cancer, familial 1. Last evaluated: 2002-05-29. Review status: no assertion criteria provided. Collection method: clinical testing. Allele origin: germline. Affected: yes. Observed: 1 variant allele. Not counted in ClinVar's aggregate classification.

Literature cited by the submitters: PubMed 21120943 (cited by Labcorp Genetics (formerly Invitae), Labcorp and Women's Health and Genetics/Laboratory Corporation of America, LabCorp); PubMed 20104584 (cited by Labcorp Genetics (formerly Invitae), Labcorp); PubMed 29446198 (cited by Women's Health and Genetics/Laboratory Corporation of America, LabCorp); PubMed 28145423 (cited by Women's Health and Genetics/Laboratory Corporation of America, LabCorp).